The following is an entry in ClinVar:

NM_015662.3(IFT172):c.4288T>G (p.Cys1430Gly)

Gene: IFT172 (intraflagellar transport 172; minus strand). Cytogenetic location: 2p23.3.
Variant type: single nucleotide variant.
Coding change: c.4288T>G on transcript NM_015662.3 (MANE Select); coding-DNA position 4288, T replaced by G.
Protein change: p.Cys1430Gly; replaces cysteine 1430 with glycine.
Molecular consequence: missense variant.
Genome position (GRCh38, 1-based): chr2:27,449,317, A>C on the plus strand (T>G on the coding strand, the complement: IFT172 is on the minus strand). VCF-style: chr2-27449317-A-C. GRCh37 (hg19) VCF-style: chr2-27672184-A-C.
Other names: c.4222T>G, p.Cys1408Gly (NM_001410739.1); c.4288T>G (NM_015662.1); short protein forms C1408G, C1430G.
Identifiers: ClinVar variation 1994056 (VCV001994056.2), dbSNP rs2465813436, ClinGen allele CA346420808.

ClinVar aggregate classification (germline): Uncertain significance. Review status: criteria provided, multiple submitters, no conflicts (2 of 4 stars). 2 submissions from 2 submitters: Uncertain significance (2). Last evaluated 2025-11-20.

Conditions:
Retinitis pigmentosa 71 (RP71). Identifiers: Orphanet 791, MedGen C4225342, MONDO:0014618, OMIM 616394.
Short-rib thoracic dysplasia 10 with or without polydactyly (SRTD10). Identifiers: Orphanet 474, MedGen C3810175, MONDO:0014284, OMIM 615630.
Inborn genetic diseases. Identifiers: MedGen C0950123, MeSH D030342.

Allele frequency attached by ClinVar (database versions not stated): gnomAD exomes below 0.00001.
gnomAD v4.1: 1 of 1,614,122 alleles (0.000062%); highest among the groups gnomAD compares: Non-Finnish European, 0.000085%; no homozygotes.

Submissions (2):

Ambry Genetics
Classification: Uncertain significance for Inborn genetic diseases. Last evaluated: 2025-11-20. Review status: criteria provided, single submitter. Criteria: Ambry Variant Classification Scheme 2023. Collection method: clinical testing. Allele origin: germline.

Labcorp Genetics (formerly Invitae), Labcorp
Classification: Uncertain significance for Retinitis pigmentosa 71; Short-rib thoracic dysplasia 10 with or without polydactyly. Last evaluated: 2022-05-21. Review status: criteria provided, single submitter. Criteria: Invitae Variant Classification Sherloc (09022015). Collection method: clinical testing. Allele origin: germline.
Comment: This sequence change replaces cysteine, which is neutral and slightly polar, with glycine, which is neutral and non-polar, at codon 1430 of the IFT172 protein (p.Cys1430Gly). This variant is not present in population databases (gnomAD no frequency). This variant has not been reported in the literature in individuals affected with IFT172-related conditions. Algorithms developed to predict the effect of missense changes on protein structure and function are either unavailable or do not agree on the potential impact of this missense change (SIFT: "Deleterious"; PolyPhen-2: "Possibly Damaging"; Align-GVGD: "Class C0"). In summary, the available evidence is currently insufficient to determine the role of this variant in disease. Therefore, it has been classified as a Variant of Uncertain Significance.